The following is an entry in ClinVar:

NM_001195248.2(APTX):c.740G>A (p.Arg247Gln)

Gene: APTX (aprataxin; minus strand). Cytogenetic location: 9p21.1.
Variant type: single nucleotide variant.
Coding change: c.740G>A on transcript NM_001195248.2 (MANE Select); coding-DNA position 740, G replaced by A.
Protein change: p.Arg247Gln; replaces arginine 247 with glutamine.
Molecular consequence: missense variant. On other transcripts: non-coding transcript variant (9).
Genome position (GRCh38, 1-based): chr9:32,984,661, C>T on the plus strand (G>A on the coding strand, the complement: APTX is on the minus strand). VCF-style: chr9-32984661-C-T. GRCh37 (hg19) VCF-style: chr9-32984659-C-T.
Other names: c.740G>A, p.Arg247Gln (NM_001195249.2, NM_001195251.2, NM_001368995.1 and 6 more transcripts); c.578G>A, p.Arg193Gln (NM_001195250.2, NM_001195254.2, NM_001369000.1 and 1 more transcripts); c.524G>A, p.Arg175Gln (NM_001195252.2); c.476G>A, p.Arg159Gln (NM_001369002.1, NM_001369003.1, NM_001369004.1 and 5 more transcripts); short protein forms R247Q, R159Q, R175Q, R193Q.
Identifiers: ClinVar variation 366591 (VCV000366591.59), dbSNP rs142133683, ClinGen allele CA5022336.
Genomic context (GRCh38, chr9:32,984,661, plus strand): 5'-GGAGCCAGCAGCACTACCCACCTGGCTTACCTCATACTCGGAATGGCGTGGTAGCCCAAT[C>T]GGAAGCGGAGTTTGCTGGACCCAGCAAAATCTACAATCACCTTTTCCCCCACAGTGTGCA-3'
Protein context (NP_001182177.2, residues 237-257): DFAGSSKLRF[Arg247Gln]LGYHAIPSMS

ClinVar aggregate classification (germline): Uncertain significance. Review status: criteria provided, multiple submitters, no conflicts (2 of 4 stars). 5 submissions from 5 submitters: Uncertain significance (5). Last evaluated 2024-09-20.

Conditions:
Ataxia, early-onset, with oculomotor apraxia and hypoalbuminemia (EAOH). Also called: Ataxia-oculomotor apraxia type 1; ATAXIA-OCULOMOTOR APRAXIA SYNDROME; ATAXIA-TELANGIECTASIA-LIKE SYNDROME. Identifiers: Orphanet 1168, MedGen C1859598, MONDO:0008842, OMIM 208920.

Allele frequency attached by ClinVar (database versions not stated): ExAC 0.00002; gnomAD exomes 0.00003 and 0.00005; gnomAD 0.00004; TOPMed 0.00004; ESP Exome Variant Server 0.00015.
gnomAD v4.1: 78 of 1,614,064 alleles (0.0048%); highest among the groups gnomAD compares: Middle Eastern, 0.049%; 1 homozygote.

Submissions (5):

Athena Diagnostics
Classification: Uncertain significance. Last evaluated: 2024-09-20. Review status: criteria provided, single submitter. Criteria: Athena Diagnostics Criteria. Collection method: clinical testing. Allele origin: unknown.
Comment: Available data are insufficient to determine the clinical significance of the variant at this time. The frequency of this variant in the general population is uninformative in assessment of its pathogenicity. Polyphen and MutationTaster predict this amino acid change may be benign. The variant is located in a region that is considered important for protein function and/or structure.

GeneDx
Classification: Uncertain significance. Last evaluated: 2023-12-06. Review status: criteria provided, single submitter. Criteria: GeneDx Variant Classification Process June 2021. Collection method: clinical testing. Allele origin: germline. Affected: yes.
Comment: Not observed at significant frequency in large population cohorts (gnomAD); In silico analysis supports that this missense variant has a deleterious effect on protein structure/function; Has not been previously published as pathogenic or benign to our knowledge

Labcorp Genetics (formerly Invitae), Labcorp
Classification: Uncertain significance. Last evaluated: 2021-05-12. Review status: criteria provided, single submitter. Criteria: Invitae Variant Classification Sherloc (09022015). Collection method: clinical testing. Allele origin: germline.
Comment: This sequence change replaces arginine with glutamine at codon 247 of the APTX protein (p.Arg247Gln). The arginine residue is moderately conserved and there is a small physicochemical difference between arginine and glutamine. In summary, the available evidence is currently insufficient to determine the role of this variant in disease. Therefore, it has been classified as a Variant of Uncertain Significance. Algorithms developed to predict the effect of missense changes on protein structure and function are either unavailable or do not agree on the potential impact of this missense change (SIFT: "Tolerated"; PolyPhen-2: "Possibly Damaging"; Align-GVGD: "Class C0"). This variant has not been reported in the literature in individuals with APTX-related conditions. ClinVar contains an entry for this variant (Variation ID: 366591). This variant is present in population databases (rs142133683, ExAC 0.004%).

Illumina Laboratory Services, Illumina
Classification: Uncertain significance for Ataxia, early-onset, with oculomotor apraxia and hypoalbuminemia. Last evaluated: 2018-01-13. Review status: criteria provided, single submitter. Criteria: ICSL Variant Classification Criteria 13 December 2019. Collection method: clinical testing. Allele origin: germline.

CeGaT Center for Human Genetics Tuebingen
Classification: Uncertain significance. Last evaluated: 2016-06-01. Review status: criteria provided, single submitter. Criteria: CeGaT Center For Human Genetics Tuebingen Variant Classification Criteria Version 2. Collection method: clinical testing. Allele origin: germline. Affected: yes. Observed: 1 variant allele.